The following is an entry in ClinVar:

ClinVar aggregate classification (germline): Uncertain significance (1 of 4 stars; one submission).

Conditions:
CHARGE syndrome (CHARGE). Also called: Hittner Hirsch Kreh syndrome; CHARGE ASSOCIATION--COLOBOMA, HEART ANOMALY, CHOANAL ATRESIA, RETARDATION, GENITAL AND EAR ANOMALIES; Coloboma, heart anomaly, choanal atresia, retardation, genital and ear anomalies; CHARGE association; Hall-Hittner syndrome. Identifiers: Orphanet 138, MedGen C0265354, MONDO:0008965.

Submission:

Labcorp Genetics (formerly Invitae), Labcorp
Classification: Uncertain significance for CHARGE syndrome. Last evaluated: 2022-09-13. Review status: criteria provided, single submitter. Criteria: Invitae Variant Classification Sherloc (09022015). Collection method: clinical testing. Allele origin: germline.
Comment: In summary, the available evidence is currently insufficient to determine the role of this variant in disease. Therefore, it has been classified as a Variant of Uncertain Significance. Advanced modeling of protein sequence and biophysical properties (such as structural, functional, and spatial information, amino acid conservation, physicochemical variation, residue mobility, and thermodynamic stability) performed at Invitae indicates that this missense variant is not expected to disrupt CHD7 protein function. This variant has not been reported in the literature in individuals affected with CHD7-related conditions. This variant is not present in population databases (gnomAD no frequency). This sequence change replaces proline, which is neutral and non-polar, with threonine, which is neutral and polar, at codon 1859 of the CHD7 protein (p.Pro1859Thr).

NM_017780.4(CHD7):c.5575C>A (p.Pro1859Thr)

Gene: CHD7 (chromodomain helicase DNA binding protein 7; plus strand). Cytogenetic location: 8q12.2.
Variant type: single nucleotide variant.
Coding change: c.5575C>A on transcript NM_017780.4 (MANE Select); coding-DNA position 5575, C replaced by A.
Protein change: p.Pro1859Thr; replaces proline 1859 with threonine.
Molecular consequence: missense variant. On other transcripts: intron variant (1).
Genome position (GRCh38, 1-based): chr8:60,851,072, C>A. VCF-style: chr8-60851072-C-A. GRCh37 (hg19) VCF-style: chr8-61763631-C-A.
Other names: c.1717-11157C>A (NM_001316690.1); short protein forms P1859T.
Identifiers: ClinVar variation 1719344 (VCV001719344.5), dbSNP rs1182352756, ClinGen allele CA371322013.